The following is an entry in ClinVar:

NM_024721.5(ZFHX4):c.3614del (p.Pro1205fs)

Gene: ZFHX4 (zinc finger homeobox 4; plus strand). Cytogenetic location: 8q21.13.
Variant type: Deletion.
Coding change: c.3614del on transcript NM_024721.5 (MANE Select); coding-DNA position 3614, one base deleted (C; older notation c.3614delC).
Protein change: p.Pro1205fs; shifts the reading frame from proline 1205.
Molecular consequence: frameshift variant.
Genome position (GRCh38, 1-based): chr8:76,849,097, C deleted; the last of 2 consecutive C bases (chr8:76,849,096-76,849,097); deleting either gives the same sequence. VCF-style (leftmost placement, unchanged base first): chr8-76849095-AC-A. GRCh37 (hg19) VCF-style: chr8-77761331-AC-A.
Other names: c.3536del, p.Pro1179fs (NM_001410934.1); short protein forms P1179fs, P1205fs.
Identifiers: ClinVar variation 5007346 (VCV005007346.2).

ClinVar aggregate classification (germline): Uncertain significance (1 of 4 stars; one submission).

Conditions:
Ptosis, hereditary congenital, 1. Identifiers: Orphanet 91411, MedGen C1867438, MONDO:0979905, OMIM 178300.

Submission:

Juno Genomics, Hangzhou Juno Genomics, Inc
Classification: Uncertain significance for Ptosis, hereditary congenital, 1. Review status: criteria provided, single submitter. Criteria: ACMG Guidelines, 2015. Collection method: clinical testing. Allele origin: germline.
Comment: Absent from controls (or at extremely low frequency if recessive) in Genome Aggregation Database.